The following is an entry in ClinVar:

NM_021975.4(RELA):c.917dup (p.Tyr306Ter)

Gene: RELA (RELA proto-oncogene, NF-kB subunit; minus strand). Cytogenetic location: 11q13.1.
Variant type: Duplication.
Coding change: c.917dup on transcript NM_021975.4 (MANE Select); coding-DNA position 917, one base duplicated (A; older notation c.917dupA).
Protein change: p.Tyr306Ter; replaces tyrosine 306 with a stop codon.
Molecular consequence: nonsense.
Genome position (GRCh38, 1-based): chr11:65,655,896, T duplicated on the plus strand (A on the coding strand, the reverse complement: RELA is on the minus strand). VCF-style (leftmost placement, unchanged base first): chr11-65655895-A-AT. GRCh37 (hg19) VCF-style: chr11-65423366-A-AT.
Other names: c.908dup, p.Tyr303Ter (NM_001145138.2); c.917dup, p.Tyr306Ter (NM_001243984.2, NM_001243985.2); c.950dup, p.Tyr317Ter (NM_001404657.1); c.890dup, p.Tyr297Ter (NM_001404658.1); c.704dup, p.Tyr235Ter (NM_001404659.1); c.599dup, p.Tyr200Ter (NM_001404660.1); c.536dup, p.Tyr179Ter (NM_001404661.1); c.824dup, p.Tyr275Ter (NM_001404662.1, NM_001404663.1); short protein forms Y179*, Y297*, Y303*, Y317*, Y235*, Y200*, Y275*, Y306*.
Identifiers: ClinVar variation 3002011 (VCV003002011.3), dbSNP rs2496834411, ClinGen allele CA2740093065.

ClinVar aggregate classification (germline): Pathogenic (1 of 4 stars; one submission).

Submission:

Labcorp Genetics (formerly Invitae), Labcorp
Classification: Pathogenic. Last evaluated: 2023-05-28. Review status: criteria provided, single submitter. Criteria: Invitae Variant Classification Sherloc (09022015). Collection method: clinical testing. Allele origin: germline.
Comment: This variant is not present in population databases (gnomAD no frequency). This sequence change creates a premature translational stop signal (p.Tyr306*) in the RELA gene. It is expected to result in an absent or disrupted protein product. Loss-of-function variants in RELA are known to be pathogenic (PMID: 28600438). For these reasons, this variant has been classified as Pathogenic. This variant has not been reported in the literature in individuals affected with RELA-related conditions.

Literature cited by the submitters: PubMed 28600438.